The following is an entry in ClinVar:

NM_183235.3(RAB27A):c.468-3C>T

Gene: RAB27A (RAB27A, member RAS oncogene family; minus strand). Cytogenetic location: 15q21.3.
Variant type: single nucleotide variant.
Coding change: c.468-3C>T on transcript NM_183235.3 (MANE Select); 3 bases into the intron before coding-DNA position 468, C replaced by T.
Molecular consequence: intron variant.
Genome position (GRCh38, 1-based): chr15:55,205,708, G>A on the plus strand (C>T on the coding strand, the complement: RAB27A is on the minus strand). VCF-style: chr15-55205708-G-A. GRCh37 (hg19) VCF-style: chr15-55497906-G-A.
Other names: p.?; c.468-3C>T (NM_001438970.1, NM_001438977.1, NM_001438975.1 and 11 more transcripts).
Identifiers: ClinVar variation 536464 (VCV000536464.18), dbSNP rs113895512, ClinGen allele CA7573552.

ClinVar aggregate classification (germline): Benign/Likely benign. Review status: criteria provided, multiple submitters, no conflicts (2 of 4 stars). 4 submissions from 4 submitters: Benign (2); Likely benign (2). Last evaluated 2026-01-27.

Conditions:
Griscelli syndrome type 2 (GS2). Also called: PAID SYNDROME; PARTIAL ALBINISM AND IMMUNODEFICIENCY SYNDROME; GRISCELLI SYNDROME WITH HEMOPHAGOCYTIC SYNDROME. Identifiers: Orphanet 381, Orphanet 79477, MedGen C1868679, MONDO:0011872, OMIM 607624.
Autoinflammatory syndrome. Identifiers: Orphanet 93665, MedGen C3890737, MONDO:0019751.

Allele frequency attached by ClinVar (database versions not stated): gnomAD exomes 0.00055; ExAC 0.00064; 1000 Genomes Project 0.00200; gnomAD 0.00219 and 0.00237; 1000 Genomes Project 30x 0.00234; TOPMed 0.00234; ESP Exome Variant Server 0.00262.
gnomAD v4.1: 611 of 1,611,216 alleles (0.038%); highest among the groups gnomAD compares: African/African-American, 0.74%; 4 homozygotes.

Submissions (6):

Labcorp Genetics (formerly Invitae), Labcorp
Classification: Benign for Griscelli syndrome type 2. Last evaluated: 2026-01-27. Review status: criteria provided, single submitter. Criteria: Invitae Variant Classification Sherloc (09022015). Collection method: clinical testing. Allele origin: germline.

Mayo Clinic Laboratories, Mayo Clinic
Classification: Benign. Last evaluated: 2025-03-05. Review status: criteria provided, single submitter. Criteria: ACMG Guidelines, 2015. Collection method: clinical testing. Allele origin: germline. Observed: 1 variant allele.
Comment: BS1, BS2, BP4, BP7

Blueprint Genetics
Classification: Likely benign. Last evaluated: 2023-12-27. Review status: criteria provided, single submitter. Criteria: ACMG Guidelines, 2015. Collection method: clinical testing. Allele origin: germline.

Genome Diagnostics Laboratory, The Hospital for Sick Children
Classification: Likely benign for Autoinflammatory syndrome. Last evaluated: 2018-02-02. Review status: criteria provided, single submitter. Criteria: ACMG Guidelines, 2015. Collection method: clinical testing. Allele origin: germline. Affected: yes.

Dr. Peter K. Rogan Lab, Western University
No classification provided (evidence only). Condition: Clear cell carcinoma of kidney. Review status: no classification provided. Collection method: in vitro. Allele origin: not applicable. Functional consequence: retained intron. Not counted in ClinVar's aggregate classification.

Dr. Peter K. Rogan Lab, Western University
No classification provided (evidence only). Condition: Acute myeloid leukemia. Review status: no classification provided. Collection method: in vitro. Allele origin: not applicable. Functional consequence: retained intron. Not counted in ClinVar's aggregate classification.